The following is an entry in ClinVar:

NM_000463.3(UGT1A1):c.554A>C (p.Gln185Pro)

Genes: UGT1A (UDP glucuronosyltransferase family 1 member A complex locus; plus strand), UGT1A1 (UDP glucuronosyltransferase family 1 member A1; plus strand), UGT1A10 (UDP glucuronosyltransferase family 1 member A10; plus strand), UGT1A3 (UDP glucuronosyltransferase family 1 member A3; plus strand), UGT1A4 (UDP glucuronosyltransferase family 1 member A4; plus strand) and 5 more. Cytogenetic location: 2q37.1.
Variant type: single nucleotide variant.
Coding change: c.554A>C on transcript NM_000463.3 (MANE Select); coding-DNA position 554, A replaced by C.
Protein change: p.Gln185Pro; replaces glutamine 185 with proline.
Molecular consequence: missense variant. On other transcripts: intron variant (9).
Genome position (GRCh38, 1-based): chr2:233,760,841, A>C. VCF-style: chr2-233760841-A-C. GRCh37 (hg19) VCF-style: chr2-234669487-A-C.
Other names: c.856-6193A>C (NM_019076.5, NM_019075.4, NM_021027.3 and 1 more transcripts); c.61-6193A>C (NM_205862.3); c.862-6193A>C (NM_001072.4); c.868-6193A>C (NM_019078.2, NM_007120.3, NM_019093.4); short protein forms Q185P.
Identifiers: ClinVar variation 3339532 (VCV003339532.1).
Genomic context (GRCh38, chr2:233,760,841, plus strand): 5'-CTCTGCCCACTGTATTCTTCTTGCATGCACTGCCATGCAGCCTGGAATTTGAGGCTACCC[A>C]GTGCCCCAACCCATTCTCCTACGTGCCCAGGCCTCTCTCCTCTCATTCAGATCACATGAC-3'
Protein context (NP_000454.1, residues 175-195): LPCSLEFEAT[Gln185Pro]CPNPFSYVPR

ClinVar aggregate classification (germline): Uncertain significance (1 of 4 stars; one submission).

Submission:

Women's Health and Genetics/Laboratory Corporation of America, LabCorp
Classification: Uncertain significance. Last evaluated: 2024-06-13. Review status: criteria provided, single submitter. Criteria: LabCorp Variant Classification Summary - May 2015. Collection method: clinical testing. Allele origin: germline.
Comment: Variant summary: UGT1A1 c.554A>C (p.Gln185Pro) results in a non-conservative amino acid change in the encoded protein sequence. Three of five in-silico tools predict a damaging effect of the variant on protein function. The variant was absent in 251370 control chromosomes. c.554A>C has been reported in the literature in at least one homozygous individual affected with Crigler-Najjar syndrome (Petit_2006). These data indicate that the variant may be associated with disease. To our knowledge, no experimental evidence demonstrating an impact on protein function has been reported. The following publication has been ascertained in the context of this evaluation (PMID: 16712705). No submitters have cited clinical-significance assessments for this variant to ClinVar. Based on the evidence outlined above, the variant was classified as VUS-possibly pathogenic.

Literature cited by the submitters: PubMed 16712705.